The following is an entry in ClinVar:

ClinVar aggregate classification (germline): Uncertain significance. Review status: criteria provided, multiple submitters, no conflicts (2 of 4 stars). 2 submissions from 2 submitters: Uncertain significance (2). Last evaluated 2025-05-16.

Conditions:
Duchenne muscular dystrophy (DMD). Also called: MUSCULAR DYSTROPHY, PSEUDOHYPERTROPHIC PROGRESSIVE, DUCHENNE TYPE; Duchenne Muscular Dystrophy (DMD). Identifiers: Orphanet 98896, MedGen C0013264, MONDO:0010679, OMIM 310200.

Submissions (2):

Dasa
Classification: Uncertain significance. Last evaluated: 2025-05-16. Review status: criteria provided, single submitter. Criteria: DASA Assertion Criteria. Collection method: clinical testing. Allele origin: germline.
Comment: NM_004006.3(DMD):c.10501G>A (p.Glu3501Lys) is a missense variant that results in the substitution of glutamic acid with lysine. This variant is rare in population databases. The currently available literature and clinical evidence are not sufficient to establish a definitive association between this variant and the reported condition. Therefore, this variant is classified as a variant of uncertain significance.

Labcorp Genetics (formerly Invitae), Labcorp
Classification: Uncertain significance for Duchenne muscular dystrophy. Last evaluated: 2023-04-05. Review status: criteria provided, single submitter. Criteria: Invitae Variant Classification Sherloc (09022015). Collection method: clinical testing. Allele origin: germline.
Comment: In summary, the available evidence is currently insufficient to determine the role of this variant in disease. Therefore, it has been classified as a Variant of Uncertain Significance. This sequence change replaces glutamic acid, which is acidic and polar, with lysine, which is basic and polar, at codon 3501 of the DMD protein (p.Glu3501Lys). This variant is not present in population databases (gnomAD no frequency). This variant has not been reported in the literature in individuals affected with DMD-related conditions. ClinVar contains an entry for this variant (Variation ID: 2180796). Advanced modeling of protein sequence and biophysical properties (such as structural, functional, and spatial information, amino acid conservation, physicochemical variation, residue mobility, and thermodynamic stability) performed at Invitae indicates that this missense variant is not expected to disrupt DMD protein function.

NM_004006.3(DMD):c.10501G>A (p.Glu3501Lys)

Gene: DMD (dystrophin; minus strand). Cytogenetic location: Xp21.2.
Variant type: single nucleotide variant.
Coding change: c.10501G>A on transcript NM_004006.3 (MANE Select); coding-DNA position 10501, G replaced by A.
Protein change: p.Glu3501Lys; replaces glutamic acid 3501 with lysine.
Molecular consequence: missense variant. On other transcripts: intron variant (2).
Genome position (GRCh38, 1-based): chrX:31,169,495, C>T on the plus strand (G>A on the coding strand, the complement: DMD is on the minus strand). VCF-style: chrX-31169495-C-T. GRCh37 (hg19) VCF-style: chrX-31187612-C-T.
Other names: c.10477G>A, p.Glu3493Lys (NM_000109.4); c.10489G>A, p.Glu3497Lys (NM_004009.3); c.10132G>A, p.Glu3378Lys (NM_004010.3); c.6478G>A, p.Glu2160Lys (NM_004011.4); c.6469G>A, p.Glu2157Lys (NM_004012.4); c.3121G>A, p.Glu1041Lys (NM_004013.3, NM_004021.3); c.2314G>A, p.Glu772Lys (NM_004014.3); c.1297G>A, p.Glu433Lys (NM_004015.3, NM_004016.3); and 3 more; short protein forms E2157K, E3378K, E3501K, E420K, E1041K, E3493K, E1028K, E3497K.
Identifiers: ClinVar variation 2180796 (VCV002180796.6), dbSNP rs2519778366, ClinGen allele CA412651836.